The following is an entry in ClinVar:

NM_000271.5(NPC1):c.3163C>A (p.Leu1055Met)

Gene: NPC1 (NPC intracellular cholesterol transporter 1; minus strand). Cytogenetic location: 18q11.2.
Variant type: single nucleotide variant.
Coding change: c.3163C>A on transcript NM_000271.5 (MANE Select); coding-DNA position 3163, C replaced by A.
Protein change: p.Leu1055Met; replaces leucine 1055 with methionine.
Molecular consequence: missense variant.
Genome position (GRCh38, 1-based): chr18:23,536,755, G>T on the plus strand (C>A on the coding strand, the complement: NPC1 is on the minus strand). VCF-style: chr18-23536755-G-T. GRCh37 (hg19) VCF-style: chr18-21116719-G-T.
Other names: short protein forms L1055M.
Identifiers: ClinVar variation 1413936 (VCV001413936.5), dbSNP rs776593644, ClinGen allele CA8912847.

ClinVar aggregate classification (germline): Uncertain significance. Review status: criteria provided, multiple submitters, no conflicts (2 of 4 stars). 3 submissions from 3 submitters: Uncertain significance (3). Last evaluated 2022-09-27.

Conditions:
Niemann-Pick disease, type C1. Also called: NIEMANN-PICK DISEASE, VARIANT TYPE C1; NEUROVISCERAL STORAGE DISEASE WITH VERTICAL SUPRANUCLEAR OPHTHALMOPLEGIA; NIEMANN-PICK DISEASE WITH CHOLESTEROL ESTERIFICATION BLOCK; NIEMANN-PICK DISEASE WITHOUT SPHINGOMYELINASE DEFICIENCY; NIEMANN-PICK DISEASE, CHRONIC NEURONOPATHIC FORM. Identifiers: Orphanet 646, MedGen C3179455, MONDO:0009757, OMIM 257220.

Allele frequency attached by ClinVar (database versions not stated): TOPMed below 0.00001; gnomAD 0.00001; gnomAD exomes 0.00001; ExAC 0.00002.
gnomAD v4.1: 10 of 1,614,074 alleles (0.00062%); highest among the groups gnomAD compares: Non-Finnish European, 0.00076%; no homozygotes.

Submissions (3):

Labcorp Genetics (formerly Invitae), Labcorp
Classification: Uncertain significance for Niemann-Pick disease, type C1. Last evaluated: 2022-09-27. Review status: criteria provided, single submitter. Criteria: Invitae Variant Classification Sherloc (09022015). Collection method: clinical testing. Allele origin: germline.
Comment: This sequence change replaces leucine, which is neutral and non-polar, with methionine, which is neutral and non-polar, at codon 1055 of the NPC1 protein (p.Leu1055Met). This variant is present in population databases (rs776593644, gnomAD 0.003%). This variant has not been reported in the literature in individuals affected with NPC1-related conditions. ClinVar contains an entry for this variant (Variation ID: 1413936). Advanced modeling of protein sequence and biophysical properties (such as structural, functional, and spatial information, amino acid conservation, physicochemical variation, residue mobility, and thermodynamic stability) performed at Invitae indicates that this missense variant is not expected to disrupt NPC1 protein function. In summary, the available evidence is currently insufficient to determine the role of this variant in disease. Therefore, it has been classified as a Variant of Uncertain Significance.

Fulgent Genetics
Classification: Uncertain significance for Niemann-Pick disease, type C1. Last evaluated: 2022-01-05. Review status: criteria provided, single submitter. Criteria: ACMG Guidelines, 2015. Collection method: clinical testing. Allele origin: unknown.

Department of Pathology and Laboratory Medicine, Sinai Health System
Classification: Uncertain significance for Niemann-Pick disease, type C1. Last evaluated: 2020-06-24. Review status: criteria provided, single submitter. Criteria: ACMG Guidelines, 2015. Collection method: research. Allele origin: germline.